The following is an entry in ClinVar:

NM_000384.3(APOB):c.1272G>C (p.Gln424His)

Gene: APOB (apolipoprotein B; minus strand). Cytogenetic location: 2p24.1.
Variant type: single nucleotide variant.
Coding change: c.1272G>C on transcript NM_000384.3 (MANE Select); coding-DNA position 1272, G replaced by C.
Protein change: p.Gln424His; replaces glutamine 424 with histidine.
Molecular consequence: missense variant.
Genome position (GRCh38, 1-based): chr2:21,032,434, C>G on the plus strand (G>C on the coding strand, the complement: APOB is on the minus strand). VCF-style: chr2-21032434-C-G. GRCh37 (hg19) VCF-style: chr2-21255306-C-G.
Other names: short protein forms Q424H.
Identifiers: ClinVar variation 630355 (VCV000630355.9), dbSNP rs780691494, ClinGen allele CA050966.

ClinVar aggregate classification (germline): Conflicting classifications of pathogenicity. Review status: criteria provided, conflicting classifications (1 of 4 stars). 3 submissions from 3 submitters: Uncertain significance (2); Likely benign (1). Last evaluated 2025-11-05.

Conditions:
Cardiovascular phenotype. Identifiers: MedGen CN230736.
Hypercholesterolemia, autosomal dominant, type B (FHCL2). Also called: APOB-Related Familial Hypercholesterolemia, Autosomal Dominant; Hyperlipoproteinemia Type IIb; Familial Hypercholesterolemia Type B; APOLIPOPROTEIN B-100, FAMILIAL DEFECTIVE; APOLIPOPROTEIN B-100, FAMILIAL LIGAND-DEFECTIVE; Familial hypercholesterolemia 2. Identifiers: MedGen C1704417, MONDO:0007751, OMIM 144010.
Familial hypobetalipoproteinemia 1. Also called: APOB-Related Familial Hypobetalipoproteinemia; Hypobetalipoproteinemia, normotriglyceridemic; Acanthocytosis with hypobetalipoproteinemia. Identifiers: MedGen C4551990, MONDO:0014252, OMIM 615558.

Allele frequency attached by ClinVar (database versions not stated): gnomAD exomes below 0.00001; ExAC 0.00001.
gnomAD v4.1: 2 of 1,614,140 alleles (0.00012%); highest among the groups gnomAD compares: South Asian, 0.0011%; no homozygotes.

Submissions (3):

Labcorp Genetics (formerly Invitae), Labcorp
Classification: Likely benign for Familial hypobetalipoproteinemia 1; Hypercholesterolemia, autosomal dominant, type B. Last evaluated: 2025-11-05. Review status: criteria provided, single submitter. Criteria: Invitae Variant Classification Sherloc (09022015). Collection method: clinical testing. Allele origin: germline.

Molecular Diagnostic Laboratory for Inherited Cardiovascular Disease, Montreal Heart Institute
Classification: Uncertain significance for Cardiovascular phenotype. Last evaluated: 2025-04-09. Review status: criteria provided, single submitter. Criteria: ACMG Guidelines, 2015. Collection method: clinical testing. Allele origin: germline. Affected: yes.

Ambry Genetics
Classification: Uncertain significance for Cardiovascular phenotype. Last evaluated: 2021-10-13. Review status: criteria provided, single submitter. Criteria: Ambry Variant Classification Scheme 2023. Collection method: clinical testing. Allele origin: germline.
Comment: The p.Q424H variant (also known as c.1272G>C), located in coding exon 10 of the APOB gene, results from a G to C substitution at nucleotide position 1272. The glutamine at codon 424 is replaced by histidine, an amino acid with highly similar properties. This amino acid position is conserved. In addition, this alteration is predicted to be tolerated by in silico analysis. Since supporting evidence is limited at this time, the clinical significance of this alteration remains unclear.